The following is an entry in ClinVar:

NM_144670.6(A2ML1):c.2950G>A (p.Val984Ile)

Gene: A2ML1 (alpha-2-macroglobulin like 1; plus strand). Cytogenetic location: 12p13.31.
Variant type: single nucleotide variant.
Coding change: c.2950G>A on transcript NM_144670.6 (MANE Select); coding-DNA position 2950, G replaced by A.
Protein change: p.Val984Ile; replaces valine 984 with isoleucine.
Molecular consequence: missense variant.
Genome position (GRCh38, 1-based): chr12:8,857,265, G>A. VCF-style: chr12-8857265-G-A. GRCh37 (hg19) VCF-style: chr12-9009861-G-A.
Other names: c.2950G>A (NM_144670.3); c.1477G>A, p.Val493Ile (NM_001282424.3); short protein forms V493I, V984I.
Identifiers: ClinVar variation 1053947 (VCV001053947.10), dbSNP rs1353229912, ClinGen allele CA383836277.
Genomic context (GRCh38, chr12:8,857,265, plus strand): 5'-GTGCAGATGCCCAGTGGCTGTGGCGAGCAGAACATGGTCTTGTTTGCTCCCATCATCTAT[G>A]TCTTGCAGTACCTGGAGAAGGCAGGGCTGCTGACGGAGGAGATCAGGTCTCGGGCAGTGG-3'
Protein context (NP_653271.3, residues 974-994): NMVLFAPIIY[Val984Ile]LQYLEKAGLL

ClinVar aggregate classification (germline): Uncertain significance. Review status: criteria provided, multiple submitters, no conflicts (2 of 4 stars). 2 submissions from 2 submitters: Uncertain significance (2). Last evaluated 2024-12-28.

Allele frequency attached by ClinVar (database versions not stated): gnomAD exomes below 0.00001.
gnomAD v4.1: 9 of 1,613,802 alleles (0.00056%); highest among the groups gnomAD compares: South Asian, 0.0011%; no homozygotes.

Submissions (2):

Ambry Genetics
Classification: Uncertain significance. Last evaluated: 2024-12-28. Review status: criteria provided, single submitter. Criteria: Ambry Variant Classification Scheme 2023. Collection method: clinical testing. Allele origin: germline.

Labcorp Genetics (formerly Invitae), Labcorp
Classification: Uncertain significance. Last evaluated: 2018-04-10. Review status: criteria provided, single submitter. Criteria: Invitae Variant Classification Sherloc (09022015). Collection method: clinical testing. Allele origin: germline.
Comment: This variant has not been reported in the literature in individuals with A2ML1-related disease. This variant is not present in population databases (ExAC no frequency). This sequence change replaces valine with isoleucine at codon 984 of the A2ML1 protein (p.Val984Ile). The valine residue is moderately conserved and there is a small physicochemical difference between valine and isoleucine. Algorithms developed to predict the effect of missense changes on protein structure and function (SIFT, PolyPhen-2, Align-GVGD) all suggest that this variant is likely to be tolerated, but these predictions have not been confirmed by published functional studies and their clinical significance is uncertain. In summary, the available evidence is currently insufficient to determine the role of this variant in disease. Therefore, it has been classified as a Variant of Uncertain Significance.